The following is an entry in ClinVar:

ClinVar aggregate classification (germline): Benign/Likely benign. Review status: criteria provided, single submitter (1 of 4 stars). 2 submissions from 1 submitter: Benign (1); Likely benign (1). Last evaluated 2018-01-13.

Conditions:
Autosomal recessive osteopetrosis 7. Identifiers: Orphanet 178389, MedGen C2676766, MONDO:0012859, OMIM 612301.
Paget disease of bone 2, early-onset (PDB2). Also called: Paget disease of bone 2. Identifiers: MedGen C4085251, MONDO:0011183, OMIM 602080.

Allele frequency attached by ClinVar (database versions not stated): 1000 Genomes Project 0.00659; gnomAD 0.00666 and 0.00718; TOPMed 0.00733; 1000 Genomes Project 30x 0.00765.

Submissions (2):

Illumina Laboratory Services, Illumina
Classification: Likely benign for Paget disease of bone 2, early-onset. Last evaluated: 2018-01-13. Review status: criteria provided, single submitter. Criteria: ICSL Variant Classification Criteria 13 December 2019. Collection method: clinical testing. Allele origin: germline.
Comment: This variant was observed in the ICSL laboratory as part of a predisposition screen in an ostensibly healthy population. It had not been previously curated by ICSL or reported in the Human Gene Mutation Database (HGMD: prior to June 1st, 2018), and was therefore a candidate for classification through an automated scoring system. Utilizing variant allele frequency, disease prevalence and penetrance estimates, and inheritance mode, an automated score was calculated to assess if this variant is too frequent to cause the disease. Based on the score and internal cut-off values, a variant classified as likely benign is not then subjected to further curation. The score for this variant resulted in a classification of likely benign for this disease.

Illumina Laboratory Services, Illumina
Classification: Benign for Autosomal recessive osteopetrosis 7. Last evaluated: 2018-01-13. Review status: criteria provided, single submitter. Criteria: ICSL Variant Classification Criteria 13 December 2019. Collection method: clinical testing. Allele origin: germline.
Comment: This variant was observed in the ICSL laboratory as part of a predisposition screen in an ostensibly healthy population. It had not been previously curated by ICSL or reported in the Human Gene Mutation Database (HGMD: prior to June 1st, 2018), and was therefore a candidate for classification through an automated scoring system. Utilizing variant allele frequency, disease prevalence and penetrance estimates, and inheritance mode, an automated score was calculated to assess if this variant is too frequent to cause the disease. Based on the score and internal cut-off values, a variant classified as benign is not then subjected to further curation. The score for this variant resulted in a classification of benign for this disease.

NM_003839.4(TNFRSF11A):c.*1738C>T

Gene: TNFRSF11A (TNF receptor superfamily member 11a; plus strand). Cytogenetic location: 18q21.33.
Variant type: single nucleotide variant.
Coding change: c.*1738C>T on transcript NM_003839.4 (MANE Select); 1738 bases downstream of the stop codon, C replaced by T.
Molecular consequence: 3 prime UTR variant.
Genome position (GRCh38, 1-based): chr18:62,386,772, C>T. VCF-style: chr18-62386772-C-T. GRCh37 (hg19) VCF-style: chr18-60054005-C-T.
Other names: c.*2013C>T (NM_001270949.2); c.*1738C>T (NM_001270950.2, NM_001270951.2, NM_001278268.2).
Identifiers: ClinVar variation 889187 (VCV000889187.4), dbSNP rs6567277, ClinGen allele CA301716218.